The following is an entry in ClinVar:

NM_138927.4(SON):c.3950C>T (p.Ala1317Val)

Gene: SON (SON DNA and RNA binding protein; plus strand). Cytogenetic location: 21q22.11.
Variant type: single nucleotide variant.
Coding change: c.3950C>T on transcript NM_138927.4 (MANE Select); coding-DNA position 3950, C replaced by T.
Protein change: p.Ala1317Val; replaces alanine 1317 with valine.
Molecular consequence: missense variant. On other transcripts: non-coding transcript variant (1), intron variant (1).
Genome position (GRCh38, 1-based): chr21:33,553,181, C>T. VCF-style: chr21-33553181-C-T. GRCh37 (hg19) VCF-style: chr21-34925487-C-T.
Other names: c.3950C>T, p.Ala1317Val (NM_001291411.2, NM_001412133.1, NM_032195.3 and 2 more transcripts); c.245-3975C>T (NM_001291412.3); short protein forms A1317V.
Identifiers: ClinVar variation 1954141 (VCV001954141.5), dbSNP rs1430051459, ClinGen allele CA410161670.

ClinVar aggregate classification (germline): Uncertain significance (1 of 4 stars; one submission).

Allele frequency attached by ClinVar (database versions not stated): gnomAD exomes 0.00001; TOPMed 0.00001; gnomAD 0.00002.
gnomAD v4.1: 7 of 1,614,026 alleles (0.00043%); highest among the groups gnomAD compares: Admixed American, 0.0017%; no homozygotes.

Submission:

Labcorp Genetics (formerly Invitae), Labcorp
Classification: Uncertain significance. Last evaluated: 2023-12-28. Review status: criteria provided, single submitter. Criteria: Invitae Variant Classification Sherloc (09022015). Collection method: clinical testing. Allele origin: germline.
Comment: This sequence change replaces alanine, which is neutral and non-polar, with valine, which is neutral and non-polar, at codon 1317 of the SON protein (p.Ala1317Val). This variant is present in population databases (no rsID available, gnomAD 0.003%). This variant has not been reported in the literature in individuals affected with SON-related conditions. ClinVar contains an entry for this variant (Variation ID: 1954141). An algorithm developed to predict the effect of missense changes on protein structure and function (PolyPhen-2) suggests that this variant is likely to be tolerated. In summary, the available evidence is currently insufficient to determine the role of this variant in disease. Therefore, it has been classified as a Variant of Uncertain Significance.